The following is an entry in ClinVar:

NM_000051.4(ATM):c.5497-3T>A

Gene: ATM (ATM serine/threonine kinase; plus strand). Cytogenetic location: 11q22.3.
Variant type: single nucleotide variant.
Coding change: c.5497-3T>A on transcript NM_000051.4 (MANE Select); 3 bases into the intron before coding-DNA position 5497, T replaced by A.
Molecular consequence: intron variant.
Genome position (GRCh38, 1-based): chr11:108,304,672, T>A. VCF-style: chr11-108304672-T-A. GRCh37 (hg19) VCF-style: chr11-108175399-T-A.
Other names: c.5497-3T>A (NM_001351834.2).
Identifiers: ClinVar variation 840482 (VCV000840482.9), dbSNP rs1064795486, ClinGen allele CA916080501.

ClinVar aggregate classification (germline): Uncertain significance (1 of 4 stars; one submission).

Conditions:
Ataxia-telangiectasia syndrome (AT). Also called: Ataxia-telangiectasia, complementation group D; AT, COMPLEMENTATION GROUP C; Ataxia telangiectasia (A-T); Cerebello-oculocutaneous telangiectasia; Immunodeficiency with ataxia telangiectasia; Ataxia-telangiectasia. Identifiers: Orphanet 100, MedGen C0004135, MONDO:0008840, OMIM 208900.

Submission:

Labcorp Genetics (formerly Invitae), Labcorp
Classification: Uncertain significance for Ataxia-telangiectasia syndrome. Last evaluated: 2023-11-01. Review status: criteria provided, single submitter. Criteria: Invitae Variant Classification Sherloc (09022015). Collection method: clinical testing. Allele origin: germline.
Comment: This sequence change falls in intron 36 of the ATM gene. It does not directly change the encoded amino acid sequence of the ATM protein. It affects a nucleotide within the consensus splice site. This variant is not present in population databases (gnomAD no frequency). This variant has not been reported in the literature in individuals affected with ATM-related conditions. ClinVar contains an entry for this variant (Variation ID: 840482). Variants that disrupt the consensus splice site are a relatively common cause of aberrant splicing (PMID: 17576681, 9536098). Studies have shown that this variant is associated with inconclusive levels of altered splicing (Invitae). In summary, the available evidence is currently insufficient to determine the role of this variant in disease. Therefore, it has been classified as a Variant of Uncertain Significance.

Literature cited by the submitters: PubMed 17576681; PubMed 9536098.